The following is an entry in ClinVar:

NM_015267.4(CUX2):c.3500A>T (p.Gln1167Leu)

Gene: CUX2 (cut like homeobox 2; plus strand). Cytogenetic location: 12q24.12.
Variant type: single nucleotide variant.
Coding change: c.3500A>T on transcript NM_015267.4 (MANE Select); coding-DNA position 3500, A replaced by T.
Protein change: p.Gln1167Leu; replaces glutamine 1167 with leucine.
Molecular consequence: missense variant.
Genome position (GRCh38, 1-based): chr12:111,341,894, A>T. VCF-style: chr12-111341894-A-T. GRCh37 (hg19) VCF-style: chr12-111779698-A-T.
Other names: c.3314A>T, p.Gln1105Leu (NM_001370598.1); short protein forms Q1105L, Q1167L.
Identifiers: ClinVar variation 3663211 (VCV003663211.2).

ClinVar aggregate classification (germline): Uncertain significance (1 of 4 stars; one submission).

gnomAD v4.1: 2 of 1,613,954 alleles (0.00012%); highest among the groups gnomAD compares: Admixed American, 0.0033%; no homozygotes.

Submission:

Labcorp Genetics (formerly Invitae), Labcorp
Classification: Uncertain significance. Last evaluated: 2024-09-09. Review status: criteria provided, single submitter. Criteria: Invitae Variant Classification Sherloc (09022015). Collection method: clinical testing. Allele origin: germline.
Comment: This sequence change replaces glutamine, which is neutral and polar, with leucine, which is neutral and non-polar, at codon 1167 of the CUX2 protein (p.Gln1167Leu). This variant is present in population databases (no rsID available, gnomAD 0.003%). This variant has not been reported in the literature in individuals affected with CUX2-related conditions. Invitae Evidence Modeling of protein sequence and biophysical properties (such as structural, functional, and spatial information, amino acid conservation, physicochemical variation, residue mobility, and thermodynamic stability) indicates that this missense variant is not expected to disrupt CUX2 protein function with a negative predictive value of 80%. In summary, the available evidence is currently insufficient to determine the role of this variant in disease. Therefore, it has been classified as a Variant of Uncertain Significance.